The following is an entry in ClinVar:

NM_017662.5(TRPM6):c.4708T>C (p.Trp1570Arg)

Gene: TRPM6 (transient receptor potential cation channel subfamily M member 6; minus strand). Cytogenetic location: 9q21.13.
Variant type: single nucleotide variant.
Coding change: c.4708T>C on transcript NM_017662.5 (MANE Select); coding-DNA position 4708, T replaced by C.
Protein change: p.Trp1570Arg; replaces tryptophan 1570 with arginine.
Molecular consequence: missense variant.
Genome position (GRCh38, 1-based): chr9:74,761,773, A>G on the plus strand (T>C on the coding strand, the complement: TRPM6 is on the minus strand). VCF-style: chr9-74761773-A-G. GRCh37 (hg19) VCF-style: chr9-77376689-A-G.
Other names: c.4693T>C, p.Trp1565Arg (NM_001177310.2, NM_001177311.2); c.4708T>C (NM_017662.4); short protein forms W1565R, W1570R.
Identifiers: ClinVar variation 1515026 (VCV001515026.5), dbSNP rs781498280, ClinGen allele CA5084043.

ClinVar aggregate classification (germline): Uncertain significance. Review status: criteria provided, multiple submitters, no conflicts (2 of 4 stars). 2 submissions from 2 submitters: Uncertain significance (2). Last evaluated 2025-11-06.

Conditions:
Inborn genetic diseases. Identifiers: MedGen C0950123, MeSH D030342.

Allele frequency attached by ClinVar (database versions not stated): gnomAD exomes 0.00001 and 0.00002; TOPMed 0.00001; gnomAD 0.00003 and 0.00004; ExAC 0.00002.
gnomAD v4.1: 20 of 1,613,916 alleles (0.0012%); highest among the groups gnomAD compares: Middle Eastern, 0.016%; no homozygotes.

Submissions (2):

Ambry Genetics
Classification: Uncertain significance for Inborn genetic diseases. Last evaluated: 2025-11-06. Review status: criteria provided, single submitter. Criteria: Ambry Variant Classification Scheme 2023. Collection method: clinical testing. Allele origin: germline.

Labcorp Genetics (formerly Invitae), Labcorp
Classification: Uncertain significance. Last evaluated: 2022-08-23. Review status: criteria provided, single submitter. Criteria: Invitae Variant Classification Sherloc (09022015). Collection method: clinical testing. Allele origin: germline.
Comment: This variant has not been reported in the literature in individuals affected with TRPM6-related conditions. This variant is present in population databases (rs781498280, gnomAD 0.004%). This sequence change replaces tryptophan, which is neutral and slightly polar, with arginine, which is basic and polar, at codon 1570 of the TRPM6 protein (p.Trp1570Arg). ClinVar contains an entry for this variant (Variation ID: 1515026). Algorithms developed to predict the effect of missense changes on protein structure and function are either unavailable or do not agree on the potential impact of this missense change (SIFT: "Tolerated"; PolyPhen-2: "Possibly Damaging"; Align-GVGD: "Class C0"). In summary, the available evidence is currently insufficient to determine the role of this variant in disease. Therefore, it has been classified as a Variant of Uncertain Significance.